The following is an entry in ClinVar:

NM_001292063.2(OTOG):c.755del (p.Asp252fs)

Gene: OTOG (otogelin; plus strand). Cytogenetic location: 11p15.1.
Variant type: Deletion.
Coding change: c.755del on transcript NM_001292063.2 (MANE Select); coding-DNA position 755, one base deleted (A; older notation c.755delA).
Protein change: p.Asp252fs; shifts the reading frame from aspartic acid 252.
Molecular consequence: frameshift variant.
Genome position (GRCh38, 1-based): chr11:17,557,213, A deleted. VCF-style (leftmost placement, unchanged base first): chr11-17557212-GA-G. GRCh37 (hg19) VCF-style: chr11-17578759-GA-G.
Other names: c.791del (NM_001277269.1); c.791del, p.Asp264fs (NM_001277269.2); short protein forms D252fs, D264fs.
Identifiers: ClinVar variation 2986819 (VCV002986819.4), dbSNP rs1270911408, ClinGen allele CA597672461.

ClinVar aggregate classification (germline): Pathogenic/Likely pathogenic. Review status: criteria provided, multiple submitters, no conflicts (2 of 4 stars). 2 submissions from 2 submitters: Pathogenic (1); Likely pathogenic (1). Last evaluated 2024-11-07.

Allele frequency attached by ClinVar (database versions not stated): gnomAD 0.00001; gnomAD exomes 0.00001; TOPMed 0.00002.

Submissions (2):

GeneDx
Classification: Likely pathogenic. Last evaluated: 2024-11-07. Review status: criteria provided, single submitter. Criteria: GeneDx Variant Classification Process June 2021. Collection method: clinical testing. Allele origin: germline. Affected: yes.
Comment: Frameshift variant predicted to result in protein truncation or nonsense mediated decay in a gene for which loss of function is a known mechanism of disease; Not observed at significant frequency in large population cohorts (gnomAD); Has not been previously published as pathogenic or benign to our knowledge

Labcorp Genetics (formerly Invitae), Labcorp
Classification: Pathogenic. Last evaluated: 2023-02-10. Review status: criteria provided, single submitter. Criteria: Invitae Variant Classification Sherloc (09022015). Collection method: clinical testing. Allele origin: germline.
Comment: This sequence change creates a premature translational stop signal (p.Asp264Valfs*10) in the OTOG gene. It is expected to result in an absent or disrupted protein product. Loss-of-function variants in OTOG are known to be pathogenic (PMID: 23122587). This variant is present in population databases (no rsID available, gnomAD 0.003%). This variant has not been reported in the literature in individuals affected with OTOG-related conditions. For these reasons, this variant has been classified as Pathogenic.

Literature cited by the submitters: PubMed 23122587 (cited by Labcorp Genetics (formerly Invitae), Labcorp).